The following is an entry in ClinVar:

ClinVar aggregate classification (germline): Uncertain significance (1 of 4 stars; one submission).

gnomAD v4.1: 5 of 1,613,838 alleles (0.00031%); highest among the groups gnomAD compares: Non-Finnish European, 0.00034%; no homozygotes.

Submission:

Labcorp Genetics (formerly Invitae), Labcorp
Classification: Uncertain significance. Last evaluated: 2025-03-18. Review status: criteria provided, single submitter. Criteria: Invitae Variant Classification Sherloc (09022015). Collection method: clinical testing. Allele origin: germline.
Comment: This sequence change replaces asparagine, which is neutral and polar, with serine, which is neutral and polar, at codon 307 of the NEFH protein (p.Asn307Ser). This variant is not present in population databases (gnomAD no frequency). This variant has not been reported in the literature in individuals affected with NEFH-related conditions. Invitae Evidence Modeling of protein sequence and biophysical properties (such as structural, functional, and spatial information, amino acid conservation, physicochemical variation, residue mobility, and thermodynamic stability) indicates that this missense variant is not expected to disrupt NEFH protein function with a negative predictive value of 95%. In summary, the available evidence is currently insufficient to determine the role of this variant in disease. Therefore, it has been classified as a Variant of Uncertain Significance.

NM_021076.4(NEFH):c.920A>G (p.Asn307Ser)

Gene: NEFH (neurofilament heavy chain; plus strand). Cytogenetic location: 22q12.2.
Variant type: single nucleotide variant.
Coding change: c.920A>G on transcript NM_021076.4 (MANE Select); coding-DNA position 920, A replaced by G.
Protein change: p.Asn307Ser; replaces asparagine 307 with serine.
Molecular consequence: missense variant.
Genome position (GRCh38, 1-based): chr22:29,483,411, A>G. VCF-style: chr22-29483411-A-G. GRCh37 (hg19) VCF-style: chr22-29879400-A-G.
Other names: short protein forms N307S.
Identifiers: ClinVar variation 4805624 (VCV004805624.1).